The following is an entry in ClinVar:

NM_144643.4(SCLT1):c.2043C>T (p.Ser681=)

Gene: SCLT1 (sodium channel and clathrin linker 1; minus strand). Cytogenetic location: 4q28.2.
Variant type: single nucleotide variant.
Coding change: c.2043C>T on transcript NM_144643.4 (MANE Select); coding-DNA position 2043, C replaced by T.
Protein change: p.Ser681=; no amino-acid change (serine 681 retained).
Molecular consequence: synonymous variant.
Genome position (GRCh38, 1-based): chr4:128,884,501, G>A on the plus strand (C>T on the coding strand, the complement: SCLT1 is on the minus strand). VCF-style: chr4-128884501-G-A. GRCh37 (hg19) VCF-style: chr4-129805656-G-A.
Identifiers: ClinVar variation 4987939 (VCV004987939.1).

ClinVar aggregate classification (germline): Likely benign (1 of 4 stars; one submission).

Conditions:
SCLT1-related disorder. Also called: SCLT1-related condition.

gnomAD v4.1: 2 of 1,604,094 alleles (0.00012%); highest among the groups gnomAD compares: Admixed American, 0.0033%; no homozygotes.

Submission:

PreventionGenetics, part of Exact Sciences
Classification: Likely benign for SCLT1-related condition. Last evaluated: 2025-09-15. Review status: criteria provided, single submitter. Criteria: ACMG Guidelines, 2015. Collection method: clinical testing. Allele origin: germline.
Comment: This variant is classified as likely benign based on ACMG/AMP sequence variant interpretation guidelines (Richards et al. 2015 PMID: 25741868, with internal and published modifications).